The following is an entry in ClinVar:

ClinVar aggregate classification (germline): Pathogenic (1 of 4 stars; one submission).

Conditions:
Citrullinemia type I (CTNL1). Also called: ASS DEFICIENCY; argininosuccinate synthetase deficiency. Identifiers: Orphanet 247525, MedGen C4721769, MONDO:0008988, OMIM 215700.

Submission:

Myriad Genetics, Inc.
Classification: Pathogenic for Citrullinemia type I. Last evaluated: 2023-09-27. Review status: criteria provided, single submitter. Criteria: Myriad Autosomal Dominant, Autosomal Recessive and X-Linked Classification Criteria (2023). Collection method: clinical testing. Allele origin: unknown.
Comment: NM_000050.4(ASS1):c.381dupG(F128Vfs*2) is expected to be pathogenic in the context of citrullinemia type 1. This variant is predicted to lead to an abnormal or absent protein product due to the creation of a premature termination codon in ASS1, a gene where loss-of-function variants are known to be pathogenic. Please note: this variant was assessed in the context of healthy population screening.

NM_054012.4(ASS1):c.381dup (p.Phe128fs)

Gene: ASS1 (argininosuccinate synthase 1; plus strand). Cytogenetic location: 9q34.11.
Variant type: Duplication.
Coding change: c.381dup on transcript NM_054012.4 (MANE Select); coding-DNA position 381, one base duplicated (G; older notation c.381dupG).
Protein change: p.Phe128fs; shifts the reading frame from phenylalanine 128.
Molecular consequence: frameshift variant.
Genome position (GRCh38, 1-based): chr9:130,464,128, G duplicated; the last of 2 consecutive G bases (chr9:130,464,127-130,464,128); duplicating either gives the same sequence. VCF-style (leftmost placement, unchanged base first): chr9-130464126-C-CG. GRCh37 (hg19) VCF-style: chr9-133339513-C-CG.
Other names: c.381dup, p.Phe128fs (NM_000050.4); short protein forms F128fs.
Identifiers: ClinVar variation 5011998 (VCV005011998.1).